The following is an entry in ClinVar:

ClinVar aggregate classification (germline): Benign (1 of 4 stars; one submission).

Allele frequency attached by ClinVar (database versions not stated): 1000 Genomes Project 0.04912; gnomAD 0.05181 and 0.05279; 1000 Genomes Project 30x 0.05278; TOPMed 0.05398.
gnomAD v4.1: 7,863 of 152,302 alleles (5.2%); highest among the groups gnomAD compares: Middle Eastern, 12%; 267 homozygotes.

Submission:

GeneDx
Classification: Benign. Last evaluated: 2018-06-14. Review status: criteria provided, single submitter. Criteria: GeneDx Variant Classification (06012015). Collection method: clinical testing. Allele origin: germline. Affected: yes.
Comment: This variant is considered likely benign or benign based on one or more of the following criteria: it is a conservative change, it occurs at a poorly conserved position in the protein, it is predicted to be benign by multiple in silico algorithms, and/or has population frequency not consistent with disease.

NM_001330078.2(NRXN1):c.2143+163T>C

Gene: NRXN1 (neurexin 1; minus strand). Cytogenetic location: 2p16.3.
Variant type: single nucleotide variant.
Coding change: c.2143+163T>C on transcript NM_001330078.2 (MANE Select); 163 bases into the intron after coding-DNA position 2143, T replaced by C.
Molecular consequence: intron variant.
Genome position (GRCh38, 1-based): chr2:50,538,090, A>G on the plus strand (T>C on the coding strand, the complement: NRXN1 is on the minus strand). VCF-style: chr2-50538090-A-G. GRCh37 (hg19) VCF-style: chr2-50765228-A-G.
Other names: c.2059+163T>C (NM_001330096.2, NM_001330087.2); c.2104+163T>C (NM_001330083.2, NM_001330084.2); c.2089+163T>C (NM_001330088.2); c.2140+163T>C (NM_001330093.2); c.2131+163T>C (NM_001330094.2); c.2119+163T>C (NM_001330095.2, NM_001330082.2, NM_001330077.2); c.2143+163T>C (NM_001330085.2, NM_004801.6, NM_001330086.2); c.2263+163T>C (NM_001135659.3).
Identifiers: ClinVar variation 672719 (VCV000672719.1), dbSNP rs72882073, ClinGen allele CA47318812.